The following is an entry in ClinVar:

NM_015681.6(B9D1):c.241G>A (p.Gly81Ser)

Gene: B9D1 (B9 domain containing 1; minus strand). Cytogenetic location: 17p11.2.
Variant type: single nucleotide variant.
Coding change: c.241G>A on transcript NM_015681.6 (MANE Select); coding-DNA position 241, G replaced by A.
Protein change: p.Gly81Ser; replaces glycine 81 with serine.
Molecular consequence: missense variant. On other transcripts: 5 prime UTR variant (1).
Genome position (GRCh38, 1-based): chr17:19,357,843, C>T on the plus strand (G>A on the coding strand, the complement: B9D1 is on the minus strand). VCF-style: chr17-19357843-C-T. GRCh37 (hg19) VCF-style: chr17-19261156-C-T.
Other names: c.241G>A, p.Gly81Ser (NM_001321214.2, NM_001321215.3, NM_001321216.2 and 4 more transcripts); c.-120G>A (NM_001368769.2); short protein forms G81S.
Identifiers: ClinVar variation 1465277 (VCV001465277.8), dbSNP rs766798349, ClinGen allele CA8440323.

ClinVar aggregate classification (germline): Uncertain significance (1 of 4 stars; one submission).

Conditions:
Meckel-Gruber syndrome. Also called: DYSENCEPHALIA SPLANCHNOCYSTICA; GRUBER SYNDROME; Dysencephalia splachnocystica. Identifiers: Orphanet 564, MedGen C0265215, MONDO:0018921.
Joubert syndrome. Also called: CEREBELLOPARENCHYMAL DISORDER IV; JOUBERT-BOLTSHAUSER SYNDROME; Familial aplasia of the vermis. Identifiers: Orphanet 475, MedGen C5979921, MONDO:0018772.

Allele frequency attached by ClinVar (database versions not stated): gnomAD exomes below 0.00001 and 0.00001; ExAC 0.00001; gnomAD 0.00001; TOPMed 0.00001.
gnomAD v4.1: 17 of 1,612,382 alleles (0.0011%); highest among the groups gnomAD compares: South Asian, 0.0033%; no homozygotes.

Submission:

Labcorp Genetics (formerly Invitae), Labcorp
Classification: Uncertain significance for Joubert syndrome; Meckel-Gruber syndrome. Last evaluated: 2021-02-05. Review status: criteria provided, single submitter. Criteria: Invitae Variant Classification Sherloc (09022015). Collection method: clinical testing. Allele origin: germline.
Comment: Algorithms developed to predict the effect of missense changes on protein structure and function are either unavailable or do not agree on the potential impact of this missense change (SIFT: "Tolerated"; PolyPhen-2: "Probably Damaging"; Align-GVGD: "Class C0"). This sequence change replaces glycine with serine at codon 81 of the B9D1 protein (p.Gly81Ser). The glycine residue is highly conserved and there is a small physicochemical difference between glycine and serine. This variant is present in population databases (rs766798349, ExAC 0.001%). This variant has not been reported in the literature in individuals with B9D1-related conditions. Algorithms developed to predict the effect of sequence changes on RNA splicing suggest that this variant may create or strengthen a splice site, but this prediction has not been confirmed by published transcriptional studies. In summary, the available evidence is currently insufficient to determine the role of this variant in disease. Therefore, it has been classified as a Variant of Uncertain Significance.